The following is an entry in ClinVar:

ClinVar aggregate classification (germline): Uncertain significance (1 of 4 stars; one submission).

Conditions:
Autosomal recessive limb-girdle muscular dystrophy type R18 (LGMDR18). Also called: MUSCULAR DYSTROPHY, LIMB-GIRDLE, AUTOSOMAL RECESSIVE 18; Limb-girdle muscular dystrophy, type 2S; Autosomal recessive limb-girdle muscular dystrophy type 2S. Identifiers: Orphanet 369840, MedGen C4517996, MONDO:0014144, OMIM 615356.

Allele frequency attached by ClinVar (database versions not stated): gnomAD exomes below 0.00001; TOPMed below 0.00001.
gnomAD v4.1: 1 of 1,614,136 alleles (0.000062%); highest among the groups gnomAD compares: East Asian, 0.0022%; no homozygotes.

Submission:

Labcorp Genetics (formerly Invitae), Labcorp
Classification: Uncertain significance for Autosomal recessive limb-girdle muscular dystrophy type R18. Last evaluated: 2022-05-13. Review status: criteria provided, single submitter. Criteria: Invitae Variant Classification Sherloc (09022015). Collection method: clinical testing. Allele origin: germline.
Comment: This variant has not been reported in the literature in individuals affected with TRAPPC11-related conditions. This sequence change replaces alanine, which is neutral and non-polar, with threonine, which is neutral and polar, at codon 18 of the TRAPPC11 protein (p.Ala18Thr). This variant is present in population databases (no rsID available, gnomAD 0.006%). Algorithms developed to predict the effect of missense changes on protein structure and function are either unavailable or do not agree on the potential impact of this missense change (SIFT: "Tolerated"; PolyPhen-2: "Possibly Damaging"; Align-GVGD: "Class C0"). In summary, the available evidence is currently insufficient to determine the role of this variant in disease. Therefore, it has been classified as a Variant of Uncertain Significance.

NM_021942.6(TRAPPC11):c.52G>A (p.Ala18Thr)

Gene: TRAPPC11 (trafficking protein particle complex subunit 11; plus strand). Cytogenetic location: 4q35.1.
Variant type: single nucleotide variant.
Coding change: c.52G>A on transcript NM_021942.6 (MANE Select); coding-DNA position 52, G replaced by A.
Protein change: p.Ala18Thr; replaces alanine 18 with threonine.
Molecular consequence: missense variant.
Genome position (GRCh38, 1-based): chr4:183,663,919, G>A. VCF-style: chr4-183663919-G-A. GRCh37 (hg19) VCF-style: chr4-184585072-G-A.
Other names: c.52G>A, p.Ala18Thr (NM_199053.3); short protein forms A18T.
Identifiers: ClinVar variation 2128041 (VCV002128041.2), dbSNP rs1381615148, ClinGen allele CA358858345.